The following is an entry in ClinVar:

ClinVar aggregate classification (germline): Conflicting classifications of pathogenicity. Review status: criteria provided, conflicting classifications (1 of 4 stars). 6 submissions from 6 submitters: Uncertain significance (4); Likely benign (1). 1 of the submissions does not count toward it. Last evaluated 2025-03-04.

Conditions:
Breast-ovarian cancer, familial, susceptibility to, 2 (BROVCA2). Also called: BRCA2 Hereditary Breast and Ovarian Cancer. Identifiers: Orphanet 145, MedGen C2675520, MONDO:0012933, OMIM 612555. Disease mechanism: loss of function.
Hereditary breast ovarian cancer syndrome. Also called: Breast and ovarian cancer; Hereditary breast and ovarian cancer; Hereditary breast and ovarian cancer syndrome; BRCA1- and BRCA2-Associated Hereditary Breast and Ovarian Cancer; Hereditary breast and ovarian cancer syndrome (HBOC); Hereditary breast and/or ovarian cancer syndrome. Identifiers: Orphanet 145, MedGen C0677776, MeSH D061325, MONDO:0003582. Disease mechanism: loss of function.
Hereditary cancer-predisposing syndrome. Also called: Tumor predisposition; Hereditary Cancer Syndrome; Neoplastic Syndromes, Hereditary; Hereditary neoplastic syndrome. Identifiers: Orphanet 140162, MedGen C0027672, MeSH D009386, MONDO:0015356.
Familial cancer of breast. Also called: BREAST CANCER, FAMILIAL; hereditary breast carcinoma; Hereditary breast cancer. Identifiers: Orphanet 227535, MedGen C0346153, MONDO:0016419, OMIM 114480. Disease mechanism: loss of function.

Allele frequency attached by ClinVar (database versions not stated): gnomAD exomes below 0.00001.
gnomAD v4.1: 1 of 1,561,438 alleles (0.000064%); highest among the groups gnomAD compares: Non-Finnish European, 0.000088%; no homozygotes.

Submissions (6):

Color Diagnostics, LLC DBA Color Health
Classification: Uncertain significance for Hereditary cancer-predisposing syndrome. Last evaluated: 2025-03-04. Review status: criteria provided, single submitter. Criteria: ACMG Guidelines, 2015. Collection method: clinical testing. Allele origin: germline.
Comment: This missense variant replaces asparagine with isoleucine at codon 2288 of the BRCA2 protein. Computational prediction suggests that this variant may not impact protein structure and function. To our knowledge, functional studies have not been reported for this variant. A multifactorial analysis has reported a likelihood ratio for pathogenicity based on personal and family history of 2.253 from log(LR)=0.352822542 for 3 carriers (PMID: 31853058). This variant has not been identified in the general population by the Genome Aggregation Database (gnomAD). The available evidence is insufficient to determine the role of this variant in disease conclusively. Therefore, this variant is classified as a Variant of Uncertain Significance.

Labcorp Genetics (formerly Invitae), Labcorp
Classification: Uncertain significance for Hereditary breast ovarian cancer syndrome. Last evaluated: 2024-09-23. Review status: criteria provided, single submitter. Criteria: Invitae Variant Classification Sherloc (09022015). Collection method: clinical testing. Allele origin: germline.
Comment: This sequence change replaces asparagine, which is neutral and polar, with isoleucine, which is neutral and non-polar, at codon 2288 of the BRCA2 protein (p.Asn2288Ile). This variant is not present in population databases (gnomAD no frequency). This variant has not been reported in the literature in individuals affected with BRCA2-related conditions. ClinVar contains an entry for this variant (Variation ID: 91462). Invitae Evidence Modeling of protein sequence and biophysical properties (such as structural, functional, and spatial information, amino acid conservation, physicochemical variation, residue mobility, and thermodynamic stability) indicates that this missense variant is not expected to disrupt BRCA2 protein function with a negative predictive value of 95%. RNA analysis performed to evaluate the impact of this missense change on mRNA splicing indicates it does not significantly alter splicing (PMID: 32046981; internal data). In summary, the available evidence is currently insufficient to determine the role of this variant in disease. Therefore, it has been classified as a Variant of Uncertain Significance.

Ambry Genetics
Classification: Uncertain significance for Hereditary cancer-predisposing syndrome. Last evaluated: 2024-07-29. Review status: criteria provided, single submitter. Criteria: Ambry Variant Classification Scheme 2023. Collection method: clinical testing. Allele origin: germline.
Comment: The p.N2288I variant (also known as c.6863A>T), located in coding exon 11 of the BRCA2 gene, results from an A to T substitution at nucleotide position 6863. The asparagine at codon 2288 is replaced by isoleucine, an amino acid with dissimilar properties. This amino acid position is poorly conserved in available vertebrate species. In addition, the in silico prediction for this alteration is inconclusive. Since supporting evidence is limited at this time, the clinical significance of this alteration remains unclear.

ARUP Laboratories, Molecular Genetics and Genomics, ARUP Laboratories
Classification: Likely benign. Last evaluated: 2024-05-22. Review status: criteria provided, single submitter. Criteria: ARUP Molecular Germline Variant Investigation Process 2024. Collection method: clinical testing. Allele origin: germline.

Baylor Genetics
Classification: Uncertain significance for Familial cancer of breast. Last evaluated: 2023-05-02. Review status: criteria provided, single submitter. Criteria: ACMG Guidelines, 2015. Collection method: clinical testing. Allele origin: unknown.

Sharing Clinical Reports Project (SCRP)
Classification: Uncertain significance for Breast-ovarian cancer, familial 2. Last evaluated: 2009-09-10. Review status: no assertion criteria provided. Collection method: clinical testing. Allele origin: germline. Not counted in ClinVar's aggregate classification.

Literature cited by the submitters: PubMed 31853058 (cited by Color Diagnostics, LLC DBA Color Health); PubMed 32046981 (cited by Labcorp Genetics (formerly Invitae), Labcorp).

NM_000059.4(BRCA2):c.6863A>T (p.Asn2288Ile)

Gene: BRCA2 (BRCA2 DNA repair associated; plus strand). Cytogenetic location: 13q13.1.
Variant type: single nucleotide variant.
Coding change: c.6863A>T on transcript NM_000059.4 (MANE Select); coding-DNA position 6863, A replaced by T.
Protein change: p.Asn2288Ile; replaces asparagine 2288 with isoleucine.
Molecular consequence: missense variant.
Genome position (GRCh38, 1-based): chr13:32,344,579, A>T. VCF-style: chr13-32344579-A-T. GRCh37 (hg19) VCF-style: chr13-32918716-A-T.
Other names: 7091A>T; short protein forms N2288I.
Identifiers: ClinVar variation 91462 (VCV000091462.19), dbSNP rs398122569, ClinGen allele CA024525.